The following is an entry in ClinVar:

ClinVar aggregate classification (germline): Uncertain significance (1 of 4 stars; one submission).

Conditions:
Gnathodiaphyseal dysplasia (GDD). Also called: GNATHODIAPHYSEAL SCLEROSIS; OSTEOGENESIS IMPERFECTA WITH UNUSUAL SKELETAL LESIONS. Identifiers: Orphanet 53697, MedGen C1833736, MONDO:0008151, OMIM 166260.
Autosomal recessive limb-girdle muscular dystrophy type 2L (LGMDR12). Also called: Limb-girdle muscular dystrophy, type 2L; MUSCULAR DYSTROPHY, LIMB-GIRDLE, AUTOSOMAL RECESSIVE 12; Limb-Girdle Muscular Dystrophy R12 Anoctamin-5-Related (LGMD-R12). Identifiers: Orphanet 206549, MedGen C1969785, MONDO:0012652, OMIM 611307.

Allele frequency attached by ClinVar (database versions not stated): gnomAD exomes 0.00001.
gnomAD v4.1: 11 of 1,613,614 alleles (0.00068%); highest among the groups gnomAD compares: Non-Finnish European, 0.00093%; no homozygotes.

Submission:

Labcorp Genetics (formerly Invitae), Labcorp
Classification: Uncertain significance for Autosomal recessive limb-girdle muscular dystrophy type 2L; Gnathodiaphyseal dysplasia. Last evaluated: 2023-05-16. Review status: criteria provided, single submitter. Criteria: Invitae Variant Classification Sherloc (09022015). Collection method: clinical testing. Allele origin: germline.
Comment: In summary, the available evidence is currently insufficient to determine the role of this variant in disease. Therefore, it has been classified as a Variant of Uncertain Significance. Advanced modeling of protein sequence and biophysical properties (such as structural, functional, and spatial information, amino acid conservation, physicochemical variation, residue mobility, and thermodynamic stability) has been performed at Invitae for this missense variant, however the output from this modeling did not meet the statistical confidence thresholds required to predict the impact of this variant on ANO5 protein function. This variant has not been reported in the literature in individuals affected with ANO5-related conditions. This variant is present in population databases (no rsID available, gnomAD 0.0009%). This sequence change replaces methionine, which is neutral and non-polar, with isoleucine, which is neutral and non-polar, at codon 618 of the ANO5 protein (p.Met618Ile).

NM_213599.3(ANO5):c.1854G>A (p.Met618Ile)

Gene: ANO5 (anoctamin 5; plus strand). Cytogenetic location: 11p14.3.
Variant type: single nucleotide variant.
Coding change: c.1854G>A on transcript NM_213599.3 (MANE Select); coding-DNA position 1854, G replaced by A.
Protein change: p.Met618Ile; replaces methionine 618 with isoleucine.
Molecular consequence: missense variant.
Genome position (GRCh38, 1-based): chr11:22,262,999, G>A. VCF-style: chr11-22262999-G-A. GRCh37 (hg19) VCF-style: chr11-22284545-G-A.
Other names: c.1851G>A, p.Met617Ile (NM_001142649.2); c.1812G>A, p.Met604Ile (NM_001410963.1); c.1809G>A, p.Met603Ile (NM_001410964.1); short protein forms M617I, M603I, M604I, M618I.
Identifiers: ClinVar variation 2947853 (VCV002947853.3), dbSNP rs1422717390, ClinGen allele CA379922988.